The following is an entry in ClinVar:

NM_001349.4(DARS1):c.985A>C (p.Asn329His)

Gene: DARS1 (aspartyl-tRNA synthetase 1; minus strand). Cytogenetic location: 2q21.3.
Variant type: single nucleotide variant.
Coding change: c.985A>C on transcript NM_001349.4 (MANE Select); coding-DNA position 985, A replaced by C.
Protein change: p.Asn329His; replaces asparagine 329 with histidine.
Molecular consequence: missense variant.
Genome position (GRCh38, 1-based): chr2:135,916,347, T>G on the plus strand (A>C on the coding strand, the complement: DARS1 is on the minus strand). VCF-style: chr2-135916347-T-G. GRCh37 (hg19) VCF-style: chr2-136673917-T-G.
Other names: c.685A>C, p.Asn229His (NM_001293312.1); short protein forms N229H, N329H.
Identifiers: ClinVar variation 1961838 (VCV001961838.5), dbSNP rs1681005283, ClinGen allele CA348650518.

ClinVar aggregate classification (germline): Uncertain significance (1 of 4 stars; one submission).

Submission:

Labcorp Genetics (formerly Invitae), Labcorp
Classification: Uncertain significance. Last evaluated: 2022-05-25. Review status: criteria provided, single submitter. Criteria: Invitae Variant Classification Sherloc (09022015). Collection method: clinical testing. Allele origin: germline.
Comment: In summary, the available evidence is currently insufficient to determine the role of this variant in disease. Therefore, it has been classified as a Variant of Uncertain Significance. Algorithms developed to predict the effect of missense changes on protein structure and function are either unavailable or do not agree on the potential impact of this missense change (SIFT: "Tolerated"; PolyPhen-2: "Possibly Damaging"; Align-GVGD: "Class C0"). This variant has not been reported in the literature in individuals affected with DARS-related conditions. This variant is not present in population databases (gnomAD no frequency). This sequence change replaces asparagine, which is neutral and polar, with histidine, which is basic and polar, at codon 329 of the DARS protein (p.Asn329His).